The following is an entry in ClinVar:

NM_002734.5(PRKAR1A):c.391G>A (p.Ala131Thr)

Gene: PRKAR1A (protein kinase cAMP-dependent type I regulatory subunit alpha; plus strand). Cytogenetic location: 17q24.2.
Variant type: single nucleotide variant.
Coding change: c.391G>A on transcript NM_002734.5 (MANE Select); coding-DNA position 391, G replaced by A.
Protein change: p.Ala131Thr; replaces alanine 131 with threonine.
Molecular consequence: missense variant.
Genome position (GRCh38, 1-based): chr17:68,523,767, G>A. VCF-style: chr17-68523767-G-A. GRCh37 (hg19) VCF-style: chr17-66519908-G-A.
Other names: c.391G>A, p.Ala131Thr (NM_001276289.2, NM_001276290.1, NM_001278433.2 and 4 more transcripts); short protein forms A131T.
Identifiers: ClinVar variation 840102 (VCV000840102.9), dbSNP rs2085692267, ClinGen allele CA400752637.

ClinVar aggregate classification (germline): Uncertain significance (1 of 4 stars; one submission).

Conditions:
Carney complex, type 1 (CNC1). Also called: CARNEY COMPLEX, TYPE I; CARNEY MYXOMA-ENDOCRINE COMPLEX. Identifiers: Orphanet 1359, MedGen C2607929, MONDO:0008057, OMIM 160980.

Submission:

Labcorp Genetics (formerly Invitae), Labcorp
Classification: Uncertain significance for Carney complex, type 1. Last evaluated: 2019-12-11. Review status: criteria provided, single submitter. Criteria: Invitae Variant Classification Sherloc (09022015). Collection method: clinical testing. Allele origin: germline.
Comment: This sequence change replaces alanine with threonine at codon 131 of the PRKAR1A protein (p.Ala131Thr). The alanine residue is highly conserved and there is a small physicochemical difference between alanine and threonine. This variant is not present in population databases (ExAC no frequency). This variant has not been reported in the literature in individuals with PRKAR1A-related conditions. Algorithms developed to predict the effect of missense changes on protein structure and function are either unavailable or do not agree on the potential impact of this missense change (SIFT: "Deleterious"; PolyPhen-2: "Benign"; Align-GVGD: "Class C0"). In summary, the available evidence is currently insufficient to determine the role of this variant in disease. Therefore, it has been classified as a Variant of Uncertain Significance.